The following is an entry in ClinVar:

NM_001369.3(DNAH5):c.11078A>G (p.Tyr3693Cys)

Gene: DNAH5 (dynein axonemal heavy chain 5; minus strand). Cytogenetic location: 5p15.2.
Variant type: single nucleotide variant.
Coding change: c.11078A>G on transcript NM_001369.3 (MANE Select); coding-DNA position 11078, A replaced by G.
Protein change: p.Tyr3693Cys; replaces tyrosine 3693 with cysteine.
Molecular consequence: missense variant.
Genome position (GRCh38, 1-based): chr5:13,751,211, T>C on the plus strand (A>G on the coding strand, the complement: DNAH5 is on the minus strand). VCF-style: chr5-13751211-T-C. GRCh37 (hg19) VCF-style: chr5-13751320-T-C.
Other names: c.11078A>G (NM_001369.2); short protein forms Y3693C.
Identifiers: ClinVar variation 2161534 (VCV002161534.2), dbSNP rs747614788, ClinGen allele CA3202054.
Genomic context (GRCh38, chr5:13,751,211, plus strand): 5'-ATGGAGGTACGGGCACTTATCTCAGGGGTGTAGGCTGGGTTAGGCAATTTGGTGGTAATG[T>C]AGAGTCTAAAGCCATCCAACACATCTACTTCCTTGTCACCAACTTTCACCTTTTTTATAA-3'
Protein context (NP_001360.1, residues 3683-3703): EVDVLDGFRL[Tyr3693Cys]ITTKLPNPAY

ClinVar aggregate classification (germline): Uncertain significance. Review status: criteria provided, multiple submitters, no conflicts (2 of 4 stars). 2 submissions from 2 submitters: Uncertain significance (2). Last evaluated 2022-10-03.

Conditions:
Primary ciliary dyskinesia. Also called: Ciliary dyskinesia. Identifiers: Orphanet 244, MedGen C0008780, MONDO:0016575, HP:0012265.

Allele frequency attached by ClinVar (database versions not stated): gnomAD exomes below 0.00001; ExAC 0.00001.
gnomAD v4.1: 4 of 1,613,926 alleles (0.00025%); highest among the groups gnomAD compares: Admixed American, 0.0033%; no homozygotes.

Submissions (2):

Ambry Genetics
Classification: Uncertain significance for Primary ciliary dyskinesia. Last evaluated: 2022-10-03. Review status: criteria provided, single submitter. Criteria: Ambry Variant Classification Scheme 2023. Collection method: clinical testing. Allele origin: germline.

Labcorp Genetics (formerly Invitae), Labcorp
Classification: Uncertain significance for Primary ciliary dyskinesia. Last evaluated: 2022-05-13. Review status: criteria provided, single submitter. Criteria: Invitae Variant Classification Sherloc (09022015). Collection method: clinical testing. Allele origin: germline.
Comment: This sequence change replaces tyrosine, which is neutral and polar, with cysteine, which is neutral and slightly polar, at codon 3693 of the DNAH5 protein (p.Tyr3693Cys). This variant is present in population databases (rs747614788, gnomAD 0.009%). This variant has not been reported in the literature in individuals affected with DNAH5-related conditions. Algorithms developed to predict the effect of missense changes on protein structure and function (SIFT, PolyPhen-2, Align-GVGD) all suggest that this variant is likely to be disruptive. In summary, the available evidence is currently insufficient to determine the role of this variant in disease. Therefore, it has been classified as a Variant of Uncertain Significance.